The following is an entry in ClinVar:

NM_024642.5(GALNT12):c.947C>G (p.Ala316Gly)

Gene: GALNT12 (polypeptide N-acetylgalactosaminyltransferase 12; plus strand). Cytogenetic location: 9q22.33.
Variant type: single nucleotide variant.
Coding change: c.947C>G on transcript NM_024642.5 (MANE Select); coding-DNA position 947, C replaced by G.
Protein change: p.Ala316Gly; replaces alanine 316 with glycine.
Molecular consequence: missense variant.
Genome position (GRCh38, 1-based): chr9:98,835,278, C>G. VCF-style: chr9-98835278-C-G. GRCh37 (hg19) VCF-style: chr9-101597560-C-G.
Other names: short protein forms A316G.
Identifiers: ClinVar variation 2586464 (VCV002586464.2), dbSNP rs1836110896, ClinGen allele CA374219376.

ClinVar aggregate classification (germline): Uncertain significance (1 of 4 stars; one submission).

Allele frequency attached by ClinVar (database versions not stated): TOPMed 0.00001.

Submission:

Ambry Genetics
Classification: Uncertain significance. Last evaluated: 2023-08-17. Review status: criteria provided, single submitter. Criteria: Ambry Variant Classification Scheme 2023. Collection method: clinical testing. Allele origin: germline.
Comment: The p.A316G variant (also known as c.947C>G), located in coding exon 5 of the GALNT12 gene, results from a C to G substitution at nucleotide position 947. The alanine at codon 316 is replaced by glycine, an amino acid with similar properties. This amino acid position is well conserved in available vertebrate species. In addition, the in silico prediction for this alteration is inconclusive. The evidence for this gene-disease relationship is limited; therefore, the clinical significance of this alteration is unclear.